The following is an entry in ClinVar:

NM_206933.4(USH2A):c.11012del (p.Pro3671fs)

Gene: USH2A (usherin; minus strand). Cytogenetic location: 1q41.
Variant type: Deletion.
Coding change: c.11012del on transcript NM_206933.4 (MANE Select); coding-DNA position 11012, one base deleted (C; older notation c.11012delC).
Protein change: p.Pro3671fs; shifts the reading frame from proline 3671.
Molecular consequence: frameshift variant.
Genome position (GRCh38, 1-based): chr1:215,766,716, G deleted on the plus strand (C on the coding strand, the reverse complement: USH2A is on the minus strand); the first of 2 consecutive G bases (chr1:215,766,716-215,766,717); deleting either gives the same sequence. VCF-style (leftmost placement, unchanged base first): chr1-215766715-AG-A. GRCh37 (hg19) VCF-style: chr1-215940057-AG-A.
Other names: short protein forms P3671fs.
Identifiers: ClinVar variation 3603411 (VCV003603411.3).

ClinVar aggregate classification (germline): Pathogenic. Review status: criteria provided, multiple submitters, no conflicts (2 of 4 stars). 2 submissions from 2 submitters: Pathogenic (2). Last evaluated 2025-11-03.

Conditions:
USH2A-related disorder. Also called: USH2A-related condition; USH2A-related disorders. Identifiers: MedGen CN239332.

Submissions (2):

Myriad Genetics, Inc.
Classification: Pathogenic for USH2A-related disorder. Last evaluated: 2025-11-03. Review status: criteria provided, single submitter. Criteria: Myriad Autosomal Dominant, Autosomal Recessive and X-Linked Classification Criteria (2023). Collection method: clinical testing. Allele origin: unknown.
Comment: NM_206933.2(USH2A):c.11012delC(P3671Lfs*3) is a frameshift variant classified as pathogenic in the context of USH2A-related disorders. P3671Lfs*3 has not been observed in cases with relevant disease. Relevant functional assessments of this variant are not available in the literature. P3671Lfs*3 has been observed in referenced population frequency databases. In summary, NM_206933.2(USH2A):c.11012delC(P3671Lfs*3) is a frameshift variant in a gene where loss of function is a known mechanism of disease and is predicted to disrupt protein function. Please note: this variant was assessed in the context of healthy population screening.

Labcorp Genetics (formerly Invitae), Labcorp
Classification: Pathogenic. Last evaluated: 2024-11-12. Review status: criteria provided, single submitter. Criteria: Invitae Variant Classification Sherloc (09022015). Collection method: clinical testing. Allele origin: germline.
Comment: This sequence change creates a premature translational stop signal (p.Pro3671Leufs*3) in the USH2A gene. It is expected to result in an absent or disrupted protein product. Loss-of-function variants in USH2A are known to be pathogenic (PMID: 10729113, 10909849, 20507924, 25649381). This variant is present in population databases (no rsID available, gnomAD 0.006%). This variant has not been reported in the literature in individuals affected with USH2A-related conditions. For these reasons, this variant has been classified as Pathogenic.

Literature cited by the submitters: PubMed 10729113 (cited by Labcorp Genetics (formerly Invitae), Labcorp); PubMed 10909849 (cited by Labcorp Genetics (formerly Invitae), Labcorp); PubMed 20507924 (cited by Labcorp Genetics (formerly Invitae), Labcorp); PubMed 25649381 (cited by Labcorp Genetics (formerly Invitae), Labcorp).